The following is an entry in ClinVar:

NM_020975.6(RET):c.2229C>T (p.Ala743=)

Gene: RET (ret proto-oncogene; plus strand). Cytogenetic location: 10q11.21.
Variant type: single nucleotide variant.
Coding change: c.2229C>T on transcript NM_020975.6 (MANE Select); coding-DNA position 2229, C replaced by T.
Protein change: p.Ala743=; no amino-acid change (alanine 743 retained).
Molecular consequence: synonymous variant.
Genome position (GRCh38, 1-based): chr10:43,116,676, C>T. VCF-style: chr10-43116676-C-T. GRCh37 (hg19) VCF-style: chr10-43612124-C-T.
Other names: c.2229C>T, p.Ala743= (NM_000323.2, NM_001406743.1, NM_001406744.1 and 4 more transcripts); c.1467C>T, p.Ala489= (NM_001355216.2); c.2100C>T, p.Ala700= (NM_001406761.1, NM_001406762.1, NM_001406764.1); c.2094C>T, p.Ala698= (NM_001406763.1, NM_001406765.1); c.1941C>T, p.Ala647= (NM_001406766.1, NM_001406767.1, NM_001406770.1); c.1965C>T, p.Ala655= (NM_001406768.1); c.1833C>T, p.Ala611= (NM_001406769.1, NM_001406772.1); c.1791C>T, p.Ala597= (NM_001406771.1, NM_001406773.1); and 10 more.
Identifiers: ClinVar variation 1107852 (VCV001107852.13), dbSNP rs1838077833, ClinGen allele CA469028035.

ClinVar aggregate classification (germline): Conflicting classifications of pathogenicity. Review status: criteria provided, conflicting classifications (1 of 4 stars). 3 submissions from 3 submitters: Uncertain significance (1); Likely benign (2). Last evaluated 2023-12-01.

Conditions:
Multiple endocrine neoplasia, type 2 (MEN2). Identifiers: Orphanet 653, MedGen C4048306, MONDO:0019003. Disease mechanism: gain of function.
Hereditary cancer-predisposing syndrome. Also called: Tumor predisposition; Neoplastic Syndromes, Hereditary; Hereditary Cancer Syndrome; Hereditary neoplastic syndrome. Identifiers: Orphanet 140162, MedGen C0027672, MeSH D009386, MONDO:0015356.

Allele frequency attached by ClinVar (database versions not stated): gnomAD exomes below 0.00001; TOPMed below 0.00001.
gnomAD v4.1: 2 of 1,614,178 alleles (0.00012%); highest among the groups gnomAD compares: Non-Finnish European, 0.00017%; no homozygotes.

Submissions (3):

All of Us Research Program, National Institutes of Health
Classification: Uncertain significance for Multiple endocrine neoplasia, type 2. Last evaluated: 2023-12-01. Review status: criteria provided, single submitter. Criteria: ACMG Guidelines, 2015. Collection method: clinical testing. Allele origin: germline. Inheritance: Autosomal dominant inheritance. Observed: 2 variant alleles, 2 heterozygotes.
Comment: This variant is located in the RET protein. To our knowledge, functional studies have not been reported for this variant. This variant has not been reported in individuals affected with RET-related disorders in the literature. This variant has not been identified in the general population by the Genome Aggregation Database (gnomAD). The available evidence is insufficient to determine the role of this variant in disease conclusively. Therefore, this variant is classified as a Variant of Uncertain Significance.

This study involves interpretation of variants in research participants for the purpose of population health screening. Participant phenotype was not available at the time of variant classification. Additional details can be found in publication PMID: 35346344, PMCID: PMC8962531

Labcorp Genetics (formerly Invitae), Labcorp
Classification: Likely benign for Multiple endocrine neoplasia, type 2. Last evaluated: 2023-07-28. Review status: criteria provided, single submitter. Criteria: Invitae Variant Classification Sherloc (09022015). Collection method: clinical testing. Allele origin: germline.

Ambry Genetics
Classification: Likely benign for Hereditary cancer-predisposing syndrome. Last evaluated: 2021-02-25. Review status: criteria provided, single submitter. Criteria: Ambry Variant Classification Scheme 2023. Collection method: clinical testing. Allele origin: germline.